The following is an entry in ClinVar:

NM_012186.3(FOXE3):c.91C>T (p.Pro31Ser)

Genes: FOXE3 (forkhead box E3; plus strand), LINC01389 (long independently transcribed non-coding RNA 1389; minus strand). Cytogenetic location: 1p33.
Variant type: single nucleotide variant.
Coding change: c.91C>T on transcript NM_012186.3 (MANE Select); coding-DNA position 91, C replaced by T.
Protein change: p.Pro31Ser; replaces proline 31 with serine.
Molecular consequence: missense variant.
Genome position (GRCh38, 1-based): chr1:47,416,406, C>T. VCF-style: chr1-47416406-C-T. GRCh37 (hg19) VCF-style: chr1-47882078-C-T.
Other names: short protein forms P31S.
Identifiers: ClinVar variation 939105 (VCV000939105.13), dbSNP rs1037554225, ClinGen allele CA22068324.

ClinVar aggregate classification (germline): Uncertain significance. Review status: criteria provided, multiple submitters, no conflicts (2 of 4 stars). 2 submissions from 2 submitters: Uncertain significance (2). Last evaluated 2026-01-21.

Conditions:
Cardiovascular phenotype. Identifiers: MedGen CN230736.
Congenital primary aphakia. Also called: Anterior segment dysgenesis 2, multiple subtypes; ANTERIOR SEGMENT DYSGENESIS 2. Identifiers: Orphanet 83461, MedGen C1853230, MONDO:0012456, OMIM 610256.
Anterior segment dysgenesis. Also called: Ocular anterior segment dysgenesis. Identifiers: Orphanet 88632, MedGen C1862839, MONDO:0019503, HP:0007700.

Allele frequency attached by ClinVar (database versions not stated): gnomAD 0.00002; gnomAD exomes 0.00003; TOPMed 0.00003.
gnomAD v4.1: 31 of 1,294,762 alleles (0.0024%); highest among the groups gnomAD compares: Non-Finnish European, 0.003%; no homozygotes.

Submissions (2):

Labcorp Genetics (formerly Invitae), Labcorp
Classification: Uncertain significance for Anterior segment dysgenesis; Congenital primary aphakia. Last evaluated: 2026-01-21. Review status: criteria provided, single submitter. Criteria: Invitae Variant Classification Sherloc (09022015). Collection method: clinical testing. Allele origin: germline.
Comment: This sequence change replaces proline, which is neutral and non-polar, with serine, which is neutral and polar, at codon 31 of the FOXE3 protein (p.Pro31Ser). The frequency data for this variant in the population databases is considered unreliable, as metrics indicate poor data quality at this position in the gnomAD database. This variant has not been reported in the literature in individuals affected with FOXE3-related conditions. ClinVar contains an entry for this variant (Variation ID: 939105). An algorithm developed to predict the effect of missense changes on protein structure and function (PolyPhen-2) suggests that this variant is likely to be disruptive. In summary, the available evidence is currently insufficient to determine the role of this variant in disease. Therefore, it has been classified as a Variant of Uncertain Significance.

Ambry Genetics
Classification: Uncertain significance for Cardiovascular phenotype. Last evaluated: 2025-06-10. Review status: criteria provided, single submitter. Criteria: Ambry Variant Classification Scheme 2023. Collection method: clinical testing. Allele origin: germline.